The following is an entry in ClinVar:

NM_001135146.2(SLC39A8):c.19del (p.Val7fs)

Genes: SLC39A8 (solute carrier family 39 member 8; minus strand), LOC129992876 (ATAC-STARR-seq lymphoblastoid silent region 15595; plus strand). Cytogenetic location: 4q24.
Variant type: Deletion.
Coding change: c.19del on transcript NM_001135146.2 (MANE Select); coding-DNA position 19, one base deleted (G; older notation c.19delG).
Protein change: p.Val7fs; shifts the reading frame from valine 7.
Molecular consequence: frameshift variant.
Genome position (GRCh38, 1-based): chr4:102,344,644, C deleted on the plus strand (G on the coding strand, the reverse complement: SLC39A8 is on the minus strand); the first of 2 consecutive C bases (chr4:102,344,644-102,344,645); deleting either gives the same sequence. VCF-style (leftmost placement, unchanged base first): chr4-102344643-AC-A. GRCh37 (hg19) VCF-style: chr4-103265800-AC-A.
Other names: c.19del, p.Val7fs (NM_001135147.1, NM_022154.5); c.19delG (NM_022154.5); short protein forms V7fs.
Identifiers: ClinVar variation 1208698 (VCV001208698.4), dbSNP rs2149060389, ClinGen allele CA2499217031.

ClinVar aggregate classification (germline): Uncertain significance (1 of 4 stars; one submission).

Submission:

GeneDx
Classification: Uncertain significance. Last evaluated: 2023-12-01. Review status: criteria provided, single submitter. Criteria: GeneDx Variant Classification Process June 2021. Collection method: clinical testing. Allele origin: germline. Affected: yes.
Comment: Frameshift variant predicted to result in protein truncation or nonsense mediated decay in a gene for which loss-of-function is not a known mechanism of disease; Not observed at a significant frequency in large population cohorts (gnomAD); Has not been previously published as pathogenic or benign to our knowledge